The following is an entry in ClinVar:

NM_022168.4(IFIH1):c.2733T>C (p.Ser911=)

Gene: IFIH1 (interferon induced with helicase C domain 1; minus strand). Cytogenetic location: 2q24.2.
Variant type: single nucleotide variant.
Coding change: c.2733T>C on transcript NM_022168.4 (MANE Select); coding-DNA position 2733, T replaced by C.
Protein change: p.Ser911=; no amino-acid change (serine 911 retained).
Molecular consequence: synonymous variant.
Genome position (GRCh38, 1-based): chr2:162,268,161, A>G on the plus strand (T>C on the coding strand, the complement: IFIH1 is on the minus strand). VCF-style: chr2-162268161-A-G. GRCh37 (hg19) VCF-style: chr2-163124671-A-G.
Other names: c.2733T>C, p.Ser911= (LRG_1235t1).
Identifiers: ClinVar variation 626114 (VCV000626114.10), dbSNP rs767453829, ClinGen allele CA1934090.

ClinVar aggregate classification (germline): Conflicting classifications of pathogenicity. Review status: criteria provided, conflicting classifications (1 of 4 stars). 3 submissions from 2 submitters: Uncertain significance (2); Likely benign (1). Last evaluated 2025-02-03.

Conditions:
Singleton-Merten syndrome 1 (SGMRT1). Also called: Widened medullary cavities of bone, aortic calcification, abnormal dentition, and muscular weakness; Syndrome of widened medullary cavities of the metacarpals and phalanges, aortic calcification and abnormal dentition. Identifiers: Orphanet 85191, MedGen C4225427, MONDO:0024535, OMIM 182250.
Immunodeficiency 95 (IMD95). Identifiers: MedGen C5676929, MONDO:0030692, OMIM 619773.
Aicardi-Goutieres syndrome 7 (AGS7). Identifiers: Orphanet 51, MedGen C3888244, MONDO:0014367, OMIM 615846.

Allele frequency attached by ClinVar (database versions not stated): TOPMed below 0.00001; ExAC 0.00001; gnomAD exomes 0.00001.
gnomAD v4.1: 3 of 1,613,678 alleles (0.00019%); highest among the groups gnomAD compares: Admixed American, 0.0017%; no homozygotes.

Submissions (3):

Labcorp Genetics (formerly Invitae), Labcorp
Classification: Likely benign for Aicardi-Goutieres syndrome 7; Singleton-Merten syndrome 1. Last evaluated: 2025-02-03. Review status: criteria provided, single submitter. Criteria: Invitae Variant Classification Sherloc (09022015). Collection method: clinical testing. Allele origin: germline.

Center for Genomics, Ann and Robert H. Lurie Children's Hospital of Chicago
Classification: Uncertain significance for Aicardi-Goutieres syndrome 7; Singleton-Merten syndrome 1. Last evaluated: 2018-05-18. Review status: criteria provided, single submitter. Criteria: ACMG Guidelines, 2015. Collection method: clinical testing. Allele origin: germline.
Comment: IFIH1 NM_022168.3 exon 14 p.Ser911= (c.2733T>C): This variant has not been reported in the literature but is present in 1/33504 Latino alleles in the Genome Aggregation Database. Evolutionary conservation and computational predictive tools for this variant are limited or unavailable. Of note, this variant is a silent variant and does not change the amino acid, reducing the probability that this variant is disease causing. In summary, data on this variant is insufficient for disease classification. Therefore, the clinical significance of this variant is uncertain.

Center for Genomics, Ann and Robert H. Lurie Children's Hospital of Chicago
Classification: Uncertain significance for Immunodeficiency 95; Aicardi-Goutieres syndrome 7; Singleton-Merten syndrome 1. Review status: criteria provided, single submitter. Criteria: ACMG Guidelines, 2015. Collection method: clinical testing. Allele origin: germline.
Comment: IFIH1 NM_022168.3 exon 14 p.Ser911= (c.2733T>C): This variant has not been reported in the literature but is present in 1/33504 Latino alleles in the Genome Aggregation Database. Evolutionary conservation and computational predictive tools for this variant are limited or unavailable. Of note, this variant is a silent variant and does not change the amino acid, reducing the probability that this variant is disease causing. In summary, data on this variant is insufficient for disease classification. Therefore, the clinical significance of this variant is uncertain